The following is an entry in ClinVar:

ClinVar aggregate classification (germline): Conflicting classifications of pathogenicity. Review status: criteria provided, conflicting classifications (1 of 4 stars). 9 submissions from 9 submitters: Pathogenic (1); Likely pathogenic (5); Uncertain significance (2). 1 of the submissions does not count toward it. Last evaluated 2026-07-23.

Conditions:
Glycogen storage disease, type V (GSD5). Also called: McArdle type glycogen storage disease; MCARDLE DISEASE; MUSCLE GLYCOGEN PHOSPHORYLASE DEFICIENCY; MYOPHOSPHORYLASE DEFICIENCY; PYGM DEFICIENCY. Identifiers: Orphanet 368, MedGen C0017924, MONDO:0009293, OMIM 232600.

Allele frequency attached by ClinVar (database versions not stated): gnomAD exomes 0.00001 and 0.00003; TOPMed 0.00005; ExAC 0.00006; gnomAD 0.00001.

Submissions (9):

Myriad Genetics, Inc.
Classification: Uncertain significance for Glycogen storage disease, type V. Last evaluated: 2026-07-23. Review status: criteria provided, single submitter. Criteria: Myriad Autosomal Dominant, Autosomal Recessive and X-Linked Classification Criteria (2023). Collection method: clinical testing. Allele origin: unknown.
Comment: NM_005609.2(PYGM):c.1349C>T(S450L) is a missense variant classified as a variant of uncertain significance in the context of glycogen storage disease, PYGM-related. S450L has been observed in cases with relevant disease (PMID: 17404776). Relevant functional assessments of this variant are not available in the literature. S450L has been observed in referenced population frequency databases. In summary, there is insufficient evidence to classify NM_005609.2(PYGM):c.1349C>T(S450L) as pathogenic or benign. Please note: this variant was assessed in the context of healthy population screening.

Women's Health and Genetics/Laboratory Corporation of America, LabCorp
Classification: Likely pathogenic for Glycogen storage disease, type V. Last evaluated: 2025-08-15. Review status: criteria provided, single submitter. Criteria: LabCorp Variant Classification Summary - May 2015. Collection method: clinical testing. Allele origin: germline.
Comment: Variant summary: PYGM c.1349C>T (p.Ser450Leu) results in a non-conservative amino acid change in the encoded protein sequence. Algorithms developed to predict the effect of missense changes on protein structure and function all suggest that this variant is likely to be disruptive. The variant allele was found at a frequency of 3e-05 in 229718 control chromosomes. c.1349C>T has been reported in the literature in two individuals affected with McArdle disease, including one homozygote (Deschauer_2007). These data indicate that the variant may be associated with disease. To our knowledge, no experimental evidence demonstrating an impact on protein function has been reported. ClinVar contains an entry for this variant (Variation ID: 283418). Based on the evidence outlined above, the variant was classified as likely pathogenic.

Natera, Inc.
Classification: Likely pathogenic for Glycogen storage disease V. Last evaluated: 2025-06-23. Review status: criteria provided, single submitter. Criteria: Natera Variant Classification Schema (03/2026). Collection method: clinical testing. Allele origin: germline.
Comment: The c.1349C>T variant in PYGM is a missense variant predicted to cause substitution of serine to leucine at amino acid 450. This variant is rare in the general population with a frequency below the threshold expected for the associated phenotype(s). This variant has been observed in one or more individuals affected with the associated recessive disease, as either homozygous or compound heterozygous with a second variant (PMID: 17404776). This variant has been identified in one or more affected individuals with a phenotype highly consistent with the associated gene (PMID: 17404776). Computational prediction algorithms indicate this variant is likely to affect gene or protein function. Given the available evidence, this variant is classified as Likely Pathogenic.

Genomic Medicine Center of Excellence, King Faisal Specialist Hospital and Research Centre
Classification: Likely pathogenic for Glycogen storage disease, type V. Last evaluated: 2024-09-22. Review status: criteria provided, single submitter. Criteria: ACMG Guidelines, 2015. Collection method: clinical testing. Allele origin: germline.

Fulgent Genetics
Classification: Likely pathogenic for Glycogen storage disease, type V. Last evaluated: 2024-06-19. Review status: criteria provided, single submitter. Criteria: ACMG Guidelines, 2015. Collection method: clinical testing. Allele origin: germline.

Labcorp Genetics (formerly Invitae), Labcorp
Classification: Pathogenic for Glycogen storage disease, type V. Last evaluated: 2024-03-16. Review status: criteria provided, single submitter. Criteria: Invitae Variant Classification Sherloc (09022015). Collection method: clinical testing. Allele origin: germline.
Comment: This sequence change replaces serine, which is neutral and polar, with leucine, which is neutral and non-polar, at codon 450 of the PYGM protein (p.Ser450Leu). This variant is present in population databases (rs756251887, gnomAD 0.01%). This missense change has been observed in individual(s) with McArdle disease (PMID: 17404776). ClinVar contains an entry for this variant (Variation ID: 283418). Advanced modeling of protein sequence and biophysical properties (such as structural, functional, and spatial information, amino acid conservation, physicochemical variation, residue mobility, and thermodynamic stability) performed at Invitae indicates that this missense variant is expected to disrupt PYGM protein function with a positive predictive value of 95%. For these reasons, this variant has been classified as Pathogenic.

Baylor Genetics
Classification: Likely pathogenic for Glycogen storage disease, type V. Last evaluated: 2024-02-12. Review status: criteria provided, single submitter. Criteria: ACMG Guidelines, 2015. Collection method: clinical testing. Allele origin: unknown.

Eurofins Ntd Llc (ga)
Classification: Uncertain significance. Last evaluated: 2015-09-16. Review status: criteria provided, single submitter. Criteria: EGL Classification Definitions 2015. Collection method: clinical testing. Allele origin: germline. Observed: 1 variant allele, 1 heterozygote.

Counsyl
Classification: Uncertain significance for Glycogen storage disease, type V. Last evaluated: 2017-12-28. Review status: no assertion criteria provided. Collection method: clinical testing. Allele origin: unknown. Not counted in ClinVar's aggregate classification.

Literature cited by the submitters: PubMed 17404776 (cited by 5 submitters); PubMed 32075227 (cited by Women's Health and Genetics/Laboratory Corporation of America, LabCorp); PubMed 25914343 (cited by Women's Health and Genetics/Laboratory Corporation of America, LabCorp).

NM_005609.4(PYGM):c.1349C>T (p.Ser450Leu)

Gene: PYGM (glycogen phosphorylase, muscle associated; minus strand). Cytogenetic location: 11q13.1.
Variant type: single nucleotide variant.
Coding change: c.1349C>T on transcript NM_005609.4 (MANE Select); coding-DNA position 1349, C replaced by T.
Protein change: p.Ser450Leu; replaces serine 450 with leucine.
Molecular consequence: missense variant.
Genome position (GRCh38, 1-based): chr11:64,753,573, G>A on the plus strand (C>T on the coding strand, the complement: PYGM is on the minus strand). VCF-style: chr11-64753573-G-A. GRCh37 (hg19) VCF-style: chr11-64521045-G-A.
Other names: c.1085C>T, p.Ser362Leu (NM_001164716.1); short protein forms S450L, S362L.
Identifiers: ClinVar variation 283418 (VCV000283418.20), dbSNP rs756251887, ClinGen allele CA6079907.